The following is an entry in ClinVar:

ClinVar aggregate classification (germline): Uncertain significance (1 of 4 stars; one submission).

Conditions:
Hereditary cancer-predisposing syndrome. Also called: Neoplastic Syndromes, Hereditary; Tumor predisposition; Hereditary Cancer Syndrome; Hereditary neoplastic syndrome. Identifiers: Orphanet 140162, MedGen C0027672, MeSH D009386, MONDO:0015356.
Familial thoracic aortic aneurysm and aortic dissection (TAAD). Also called: Thoracic aortic aneurysms and dissections. Identifiers: Orphanet 91387, MedGen C4707243, MONDO:0019625.

Submission:

Ambry Genetics
Classification: Uncertain significance for Hereditary cancer-predisposing syndrome; Familial thoracic aortic aneurysm and aortic dissection. Last evaluated: 2026-05-20. Review status: criteria provided, single submitter. Criteria: Ambry Variant Classification Scheme 2023. Collection method: clinical testing. Allele origin: germline.
Comment: The p.A379P variant (also known as c.1135G>C), located in coding exon 8 of the SMAD4 gene, results from a G to C substitution at nucleotide position 1135. The alanine at codon 379 is replaced by proline, an amino acid with highly similar properties. This amino acid position is highly conserved in available vertebrate species. In addition, this alteration is predicted to be deleterious by in silico analysis. Since supporting evidence is limited at this time, the clinical significance of this alteration remains unclear.

NM_005359.6(SMAD4):c.1135G>C (p.Ala379Pro)

Gene: SMAD4 (SMAD family member 4; plus strand). Cytogenetic location: 18q21.2.
Variant type: single nucleotide variant.
Coding change: c.1135G>C on transcript NM_005359.6 (MANE Select); coding-DNA position 1135, G replaced by C.
Protein change: p.Ala379Pro; replaces alanine 379 with proline.
Molecular consequence: missense variant.
Genome position (GRCh38, 1-based): chr18:51,065,602, G>C. VCF-style: chr18-51065602-G-C. GRCh37 (hg19) VCF-style: chr18-48591972-G-C.
Other names: c.1135G>C, p.Ala379Pro (NM_001407041.1, NM_001407042.1, NM_001407043.1); short protein forms A379P.
Identifiers: ClinVar variation 1729609 (VCV001729609.3), dbSNP rs2144448006, ClinGen allele CA402464606.
Genomic context (GRCh38, chr18:51,065,602, plus strand): 5'-GGAGATCGCTTTTGTTTGGGTCAACTCTCCAATGTCCACAGGACAGAAGCCATTGAGAGA[G>C]CAAGGTATTGATTGTATAGTCAGATAGTTACTTTAAAAAATTGAGCATAGTACATTGTCT-3'
Protein context (NP_005350.1, residues 369-389): NVHRTEAIER[Ala379Pro]RLHIGKGVQL